The following is an entry in ClinVar:

ClinVar aggregate classification (germline): Uncertain significance (1 of 4 stars; one submission).

Allele frequency attached by ClinVar (database versions not stated): TOPMed below 0.00001; ExAC 0.00001; gnomAD 0.00001; gnomAD exomes 0.00001.
gnomAD v4.1: 20 of 1,607,580 alleles (0.0012%); highest among the groups gnomAD compares: Non-Finnish European, 0.0016%; no homozygotes.

Submission:

Labcorp Genetics (formerly Invitae), Labcorp
Classification: Uncertain significance. Last evaluated: 2022-12-10. Review status: criteria provided, single submitter. Criteria: Invitae Variant Classification Sherloc (09022015). Collection method: clinical testing. Allele origin: germline.
Comment: This variant has not been reported in the literature in individuals affected with SLC26A1-related conditions. This variant is present in population databases (rs756619696, gnomAD 0.002%). This sequence change replaces proline, which is neutral and non-polar, with leucine, which is neutral and non-polar, at codon 587 of the SLC26A1 protein (p.Pro587Leu). ClinVar contains an entry for this variant (Variation ID: 943894). In summary, the available evidence is currently insufficient to determine the role of this variant in disease. Therefore, it has been classified as a Variant of Uncertain Significance. Advanced modeling of protein sequence and biophysical properties (such as structural, functional, and spatial information, amino acid conservation, physicochemical variation, residue mobility, and thermodynamic stability) performed at Invitae indicates that this missense variant is not expected to disrupt SLC26A1 protein function.

NM_022042.4(SLC26A1):c.1760C>T (p.Pro587Leu)

Genes: SLC26A1 (solute carrier family 26 member 1; minus strand), IDUA (alpha-L-iduronidase; plus strand). Cytogenetic location: 4p16.3.
Variant type: single nucleotide variant.
Coding change: c.1760C>T on transcript NM_022042.4 (MANE Select); coding-DNA position 1760, C replaced by T.
Protein change: p.Pro587Leu; replaces proline 587 with leucine.
Molecular consequence: missense variant. On other transcripts: intron variant (2).
Genome position (GRCh38, 1-based): chr4:989,179, G>A on the plus strand (C>T on the coding strand, the complement: SLC26A1 is on the minus strand). VCF-style: chr4-989179-G-A. GRCh37 (hg19) VCF-style: chr4-982967-G-A.
Other names: c.1760C>T, p.Pro587Leu (NM_213613.4); c.576+1949C>T (NM_134425.4); c.299+1230G>A (NM_000203.5); short protein forms P587L.
Identifiers: ClinVar variation 943894 (VCV000943894.9), dbSNP rs756619696, ClinGen allele CA2801282.
Genomic context (GRCh38, chr4:989,179, plus strand): 5'-GCCGCTGCGGGCACCAGCGCAGCCCTGGTGCTAACCGGGCCCAGGTCCTCGCCCTGGGCA[G>A]GGCCTCCCTCACCGACCCCCGTCTCTGAGCCCCCCTCCTTCCTCCTGGCAGCCATGCACC-3'
Protein context (NP_071325.2, residues 577-597): GSETGVGEGG[Pro587Leu]AQGEDLGPVS